The following is an entry in ClinVar:

ClinVar aggregate classification (germline): Uncertain significance. Review status: criteria provided, multiple submitters, no conflicts (2 of 4 stars). 2 submissions from 2 submitters: Uncertain significance (2). Last evaluated 2024-11-13.

Conditions:
Spondylocostal dysostosis 3, autosomal recessive (SCDO3). Also called: LFNG-Related Spondylocostal Dysostosis, Autosomal Recessive. Identifiers: Orphanet 2311, MedGen C1853296, MONDO:0012349, OMIM 609813.

Allele frequency attached by ClinVar (database versions not stated): ExAC 0.00004; TOPMed 0.00004; gnomAD 0.00005; ESP Exome Variant Server 0.00008.

Submissions (2):

Blueprint Genetics
Classification: Uncertain significance. Last evaluated: 2024-11-13. Review status: criteria provided, single submitter. Criteria: ACMG Guidelines, 2015. Collection method: clinical testing. Allele origin: germline.

Labcorp Genetics (formerly Invitae), Labcorp
Classification: Uncertain significance for Spondylocostal dysostosis 3, autosomal recessive. Last evaluated: 2024-01-17. Review status: criteria provided, single submitter. Criteria: Invitae Variant Classification Sherloc (09022015). Collection method: clinical testing. Allele origin: germline.
Comment: This sequence change replaces arginine, which is basic and polar, with histidine, which is basic and polar, at codon 246 of the LFNG protein (p.Arg246His). This variant is present in population databases (rs374389689, gnomAD 0.006%). This variant has not been reported in the literature in individuals affected with LFNG-related conditions. ClinVar contains an entry for this variant (Variation ID: 1430936). An algorithm developed to predict the effect of missense changes on protein structure and function (PolyPhen-2) suggests that this variant¬†is likely to be tolerated. In summary, the available evidence is currently insufficient to determine the role of this variant in disease. Therefore, it has been classified as a Variant of Uncertain Significance.

NM_001040167.2(LFNG):c.737G>A (p.Arg246His)

Gene: LFNG (LFNG O-fucosylpeptide 3-beta-N-acetylglucosaminyltransferase; plus strand). Cytogenetic location: 7p22.3.
Variant type: single nucleotide variant.
Coding change: c.737G>A on transcript NM_001040167.2 (MANE Select); coding-DNA position 737, G replaced by A.
Protein change: p.Arg246His; replaces arginine 246 with histidine.
Molecular consequence: missense variant.
Genome position (GRCh38, 1-based): chr7:2,525,686, G>A. VCF-style: chr7-2525686-G-A. GRCh37 (hg19) VCF-style: chr7-2565320-G-A.
Other names: c.737G>A, p.Arg246His (NM_001040168.2); c.524G>A, p.Arg175His (NM_001166355.2); c.350G>A, p.Arg117His (NM_002304.3); short protein forms R117H, R246H, R175H.
Identifiers: ClinVar variation 1430936 (VCV001430936.7), dbSNP rs374389689, ClinGen allele CA4127120.
Genomic context (GRCh38, chr7:2,525,686, plus strand): 5'-GGTGGGACCGTGAGGGGCAGCAGCGCCTGGGTCTCAGGACACCTTCTCCCTTCTCCCAGC[G>A]TCCTGTCCACTTCTGGTTTGCCACGGGCGGCGCTGGCTTCTGCATCAGCCGTGGGCTGGC-3'
Protein context (NP_001035257.1, residues 236-256): AMERVSENKV[Arg246His]PVHFWFATGG